The following is an entry in ClinVar:

NM_001378454.1(ALMS1):c.2015_2016delinsGT (p.Val672Gly)

Gene: ALMS1 (ALMS1 centrosome and basal body associated protein; plus strand). Cytogenetic location: 2p13.1.
Variant type: Indel.
Coding change: c.2015_2016delinsGT on transcript NM_001378454.1 (MANE Select); coding-DNA positions 2015 to 2016, TA replaced by GT.
Protein change: p.Val672Gly; replaces valine 672 with glycine.
Molecular consequence: missense variant.
Genome position (GRCh38, 1-based): chr2:73,448,542-73,448,543, TA replaced by GT. VCF-style: chr2-73448542-TA-GT. GRCh37 (hg19) VCF-style: chr2-73675669-TA-GT.
Other names: c.2018_2019delinsGT, p.Val673Gly (NM_015120.4); short protein forms V672G, V673G.
Identifiers: ClinVar variation 2430674 (VCV002430674.1), dbSNP rs2466093153, ClinGen allele CA2580067882.

ClinVar aggregate classification (germline): Uncertain significance (1 of 4 stars; one submission).

Submission:

GeneDx
Classification: Uncertain significance. Last evaluated: 2022-08-18. Review status: criteria provided, single submitter. Criteria: GeneDx Variant Classification Process June 2021. Collection method: clinical testing. Allele origin: germline. Affected: yes.
Comment: Not observed at significant frequency in large population cohorts (gnomAD); In silico analysis supports that this variant does not alter protein structure/function; Splice predictors suggests this variant may impact gene splicing. In the absence of RNA/functional studies, the actual effect of this sequence change is unknown.; Has not been previously published as pathogenic or benign to our knowledge